The following is an entry in ClinVar:

ClinVar aggregate classification (germline): Pathogenic (1 of 4 stars; one submission).

Submission:

Labcorp Genetics (formerly Invitae), Labcorp
Classification: Pathogenic. Last evaluated: 2022-10-30. Review status: criteria provided, single submitter. Criteria: Invitae Variant Classification Sherloc (09022015). Collection method: clinical testing. Allele origin: germline.
Comment: This variant is not present in population databases (gnomAD no frequency). This sequence change inserts a large fragment of DNA, likely a transposable element, in exon 6 of the SERPING1 gene (c.972_973ins?), causing a frameshift at codon 325 (p.Met325fs). The exact size and sequence of the insertion cannot be determined by the current assay. However, the insertion is expected to result in an absent or disrupted protein product. For these reasons, this variant has been classified as Pathogenic. Retrotransposon insertions including LINE1 (L1), Alu, and SVA (SINE-VNTR-Alu) have been reported to be disease-causing through disruption of either a coding region or splice site (PMID: 19763152, 20307669, 22406018) and loss-of-function variants in SERPING1 are known to be pathogenic (PMID: 11112899, 24456027). Algorithms developed to predict the effect of sequence changes on RNA splicing suggest that this variant may disrupt the consensus splice site. This variant has not been reported in the literature in individuals affected with SERPING1-related conditions.

Literature cited by the submitters: PubMed 19763152; PubMed 20307669; PubMed 22406018; PubMed 11112899; PubMed 24456027.

NM_000062.3(SERPING1):c.972_973insGCTGCATAAATGTCTTCTTTTGAGAAGTGTCTGTTCATGTCCTTCGCCCACTTTTTGATGGGGTTGTTTGTTNNNNNNNNNNAAAAAAAAAAAAAAAAAAAAAAAAGTGCCCATG (p.Met325delinsAlaAlaTer)

Gene: SERPING1 (serpin family G member 1; plus strand). Cytogenetic location: 11q12.1.
Variant type: Microsatellite.
Coding change: c.972_973insGCTGCATAAATGTCTTCTTTTGAGAAGTGTCTGTTCATGTCCTTCGCCCACTTTTTGATGGGGTTGTTTGTTNNNNNNNNNNAAAAAAAAAAAAAAAAAAAAAAAAGTGCCCATG on transcript NM_000062.3 (MANE Select); coding-DNA positions 972 to 973, GCTGCATAAATGTCTTCTTTTGAGAAGTGTCTGTTCATGTCCTTCGCCCACTTTTTGATGGGGTTGTTTGTTNNNNNNNNNNAAAAAAAAAAAAAAAAAAAAAAAAGTGCCCATG inserted.
Protein change: p.Met325delinsAlaAlaTer.
Molecular consequence: nonsense.
Genome position: GRCh38: chr11:57,606,478-57,606,490. GRCh37 (hg19), VCF-style position (the base before the change): chr11:57,373,950.
Other names: c.972_973insGCTGCATAAATGTCTTCTTTTGAGAAGTGTCTGTTCATGTCCTTCGCCCACTTTTTGATGGGGTTGTTTGTTNNNNNNNNNNAAAAAAAAAAAAAAAAAAAAAAAAGTGCCCATG, p.Met325delinsAlaAlaTer (NM_001032295.2).
Identifiers: ClinVar variation 2809540 (VCV002809540.3).